The following is an entry in ClinVar:

ClinVar aggregate classification (germline): Likely benign. Review status: criteria provided, multiple submitters, no conflicts (2 of 4 stars). 3 submissions from 3 submitters: Likely benign (3). Last evaluated 2025-11-23.

Conditions:
Ritscher-Schinzel syndrome. Also called: CRANIOCEREBELLOCARDIAC DYSPLASIA. Identifiers: Orphanet 7, MedGen C0796137, MONDO:0019078.
Hereditary spastic paraplegia 8 (SPG8). Also called: SPASTIC PARAPLEGIA 8, AUTOSOMAL DOMINANT. Identifiers: Orphanet 100989, MedGen C1863704, MONDO:0011339, OMIM 603563.

Allele frequency attached by ClinVar (database versions not stated): gnomAD 0.00004 and 0.00008; gnomAD exomes 0.00007 and 0.00010; ExAC 0.00008; TOPMed 0.00009; 1000 Genomes Project 30x 0.00031; 1000 Genomes Project 0.00040.
gnomAD v4.1: 122 of 1,613,748 alleles (0.0076%); highest among the groups gnomAD compares: East Asian, 0.053%; no homozygotes.

Submissions (3):

Labcorp Genetics (formerly Invitae), Labcorp
Classification: Likely benign for Ritscher-Schinzel syndrome; Hereditary spastic paraplegia 8. Last evaluated: 2025-11-23. Review status: criteria provided, single submitter. Criteria: Invitae Variant Classification Sherloc (09022015). Collection method: clinical testing. Allele origin: germline.

Blueprint Genetics
Classification: Likely benign. Last evaluated: 2024-10-15. Review status: criteria provided, single submitter. Criteria: ACMG Guidelines, 2015. Collection method: clinical testing. Allele origin: germline.

CeGaT Center for Human Genetics Tuebingen
Classification: Likely benign. Last evaluated: 2023-08-01. Review status: criteria provided, single submitter. Criteria: CeGaT Center For Human Genetics Tuebingen Variant Classification Criteria Version 2. Collection method: clinical testing. Allele origin: germline. Affected: yes. Observed: 1 variant allele.
Comment: WASHC5: BP4, BP7

NM_014846.4(WASHC5):c.1830C>T (p.Ser610=)

Gene: WASHC5 (WASH complex subunit 5; minus strand). Cytogenetic location: 8q24.13.
Variant type: single nucleotide variant.
Coding change: c.1830C>T on transcript NM_014846.4 (MANE Select); coding-DNA position 1830, C replaced by T.
Protein change: p.Ser610=; no amino-acid change (serine 610 retained).
Molecular consequence: synonymous variant.
Genome position (GRCh38, 1-based): chr8:125,057,601, G>A on the plus strand (C>T on the coding strand, the complement: WASHC5 is on the minus strand). VCF-style: chr8-125057601-G-A. GRCh37 (hg19) VCF-style: chr8-126069843-G-A.
Other names: c.1386C>T, p.Ser462= (NM_001330609.2).
Identifiers: ClinVar variation 1590405 (VCV001590405.32), dbSNP rs190138661, ClinGen allele CA4873713.